The following is an entry in ClinVar:

ClinVar aggregate classification (germline): Uncertain significance. Review status: criteria provided, multiple submitters, no conflicts (2 of 4 stars). 3 submissions from 3 submitters: Uncertain significance (3). Last evaluated 2023-05-16.

Conditions:
Cardiomyopathy (CMYO). Also called: Cardiomyopathies. Identifiers: Orphanet 167848, MedGen C0878544, MONDO:0004994, HP:0001638. Inheritance: Various modes of inheritance.
Arrhythmogenic right ventricular dysplasia 8 (ARVD8). Also called: ARRHYTHMOGENIC RIGHT VENTRICULAR DYSPLASIA, FAMILIAL, 8; ARRHYTHMOGENIC RIGHT VENTRICULAR CARDIOMYOPATHY 8; Arrhythmogenic Right Ventricular Dysplasia/Cardiomyopathy 8. Identifiers: MedGen C1843896, MONDO:0011831, OMIM 607450.
Arrhythmogenic cardiomyopathy with wooly hair and keratoderma. Also called: Dilated cardiomyopathy with woolly hair and keratoderma; Carvajal syndrome; PALMOPLANTAR KERATODERMA WITH LEFT VENTRICULAR CARDIOMYOPATHY AND WOOLLY HAIR; Arrhythmogenic cardiomyopathy with woolly hair and keratoderma. Identifiers: Orphanet 65282, MedGen C1854063, MONDO:0011581, OMIM 605676.

Allele frequency attached by ClinVar (database versions not stated): gnomAD exomes 0.00001; TOPMed 0.00001.
gnomAD v4.1: 20 of 1,614,236 alleles (0.0012%); highest among the groups gnomAD compares: Non-Finnish European, 0.0017%; no homozygotes.

Submissions (3):

All of Us Research Program, National Institutes of Health
Classification: Uncertain significance for Arrhythmogenic cardiomyopathy with wooly hair and keratoderma. Last evaluated: 2023-05-16. Review status: criteria provided, single submitter. Criteria: ACMG Guidelines, 2015. Collection method: clinical testing. Allele origin: germline. Inheritance: Autosomal dominant inheritance. Observed: 1 variant allele, 1 heterozygote.
Comment: This missense variant replaces threonine with serine at codon 2798 of the DSP protein. Computational prediction suggests that this variant may not impact protein structure and function (internally defined REVEL score threshold <= 0.5, PMID: 27666373). To our knowledge, functional studies have not been reported for this variant. This variant has not been reported in individuals affected with cardiovascular disorders in the literature. This variant has not been identified in the general population by the Genome Aggregation Database (gnomAD). The available evidence is insufficient to determine the role of this variant in disease conclusively. Therefore, this variant is classified as a Variant of Uncertain Significance.

This study involves interpretation of variants in research participants for the purpose of population health screening. Participant phenotype was not available at the time of variant classification. Additional details can be found in publication PMID: 35346344, PMCID: PMC8962531

Color Diagnostics, LLC DBA Color Health
Classification: Uncertain significance for Cardiomyopathy. Last evaluated: 2023-04-27. Review status: criteria provided, single submitter. Criteria: ACMG Guidelines, 2015. Collection method: clinical testing. Allele origin: germline.
Comment: This missense variant replaces threonine with serine at codon 2798 of the DSP protein. Computational prediction suggests that this variant may not impact protein structure and function (internally defined REVEL score threshold <= 0.5, PMID: 27666373). To our knowledge, functional studies have not been reported for this variant. This variant has not been reported in individuals affected with cardiovascular disorders in the literature. This variant has not been identified in the general population by the Genome Aggregation Database (gnomAD). The available evidence is insufficient to determine the role of this variant in disease conclusively. Therefore, this variant is classified as a Variant of Uncertain Significance.

Labcorp Genetics (formerly Invitae), Labcorp
Classification: Uncertain significance for Arrhythmogenic cardiomyopathy with wooly hair and keratoderma; Arrhythmogenic right ventricular dysplasia 8. Last evaluated: 2021-05-12. Review status: criteria provided, single submitter. Criteria: Invitae Variant Classification Sherloc (09022015). Collection method: clinical testing. Allele origin: germline.
Comment: In summary, the available evidence is currently insufficient to determine the role of this variant in disease. Therefore, it has been classified as a Variant of Uncertain Significance. Algorithms developed to predict the effect of missense changes on protein structure and function are either unavailable or do not agree on the potential impact of this missense change (SIFT: "Deleterious"; PolyPhen-2: "Benign"; Align-GVGD: "Class C55"). This variant has not been reported in the literature in individuals with DSP-related conditions. This variant is not present in population databases (ExAC no frequency). This sequence change replaces threonine with serine at codon 2798 of the DSP protein (p.Thr2798Ser). The threonine residue is highly conserved and there is a small physicochemical difference between threonine and serine.

NM_004415.4(DSP):c.8392A>T (p.Thr2798Ser)

Gene: DSP (desmoplakin; plus strand). Cytogenetic location: 6p24.3.
Variant type: single nucleotide variant.
Coding change: c.8392A>T on transcript NM_004415.4 (MANE Select); coding-DNA position 8392, A replaced by T.
Protein change: p.Thr2798Ser; replaces threonine 2798 with serine.
Molecular consequence: missense variant.
Genome position (GRCh38, 1-based): chr6:7,585,654, A>T. VCF-style: chr6-7585654-A-T. GRCh37 (hg19) VCF-style: chr6-7585887-A-T.
Other names: c.6595A>T, p.Thr2199Ser (NM_001008844.3); c.7063A>T, p.Thr2355Ser (NM_001319034.2); short protein forms T2355S, T2199S, T2798S.
Identifiers: ClinVar variation 1041718 (VCV001041718.14), dbSNP rs771976131, ClinGen allele CA133977951.